The following is an entry in ClinVar:

NM_138422.4(ADAT3):c.748C>T (p.Arg250Cys)

Genes: ADAT3 (adenosine deaminase tRNA specific 3; plus strand), SCAMP4 (secretory carrier membrane protein 4; plus strand). Cytogenetic location: 19p13.3.
Variant type: single nucleotide variant.
Coding change: c.748C>T on transcript NM_138422.4 (MANE Select); coding-DNA position 748, C replaced by T.
Protein change: p.Arg250Cys; replaces arginine 250 with cysteine.
Molecular consequence: missense variant. On other transcripts: intron variant (3).
Genome position (GRCh38, 1-based): chr19:1,912,795, C>T. VCF-style: chr19-1912795-C-T. GRCh37 (hg19) VCF-style: chr19-1912794-C-T.
Other names: c.700C>T, p.Arg234Cys (NM_001329533.2); c.-41-2184C>T (NM_079834.4, NM_001329540.2); c.-125-4899C>T (NM_001329539.2); c.700C>T (NM_138422.1); short protein forms R234C, R250C.
Identifiers: ClinVar variation 1699079 (VCV001699079.6), dbSNP rs1368212261, ClinGen allele CA403172179.

ClinVar aggregate classification (germline): Uncertain significance. Review status: criteria provided, multiple submitters, no conflicts (2 of 4 stars). 3 submissions from 3 submitters: Uncertain significance (3). Last evaluated 2024-11-18.

Conditions:
Intellectual disability-strabismus syndrome (NEDBGF). Also called: NEURODEVELOPMENTAL DISORDER WITH BRAIN ABNORMALITIES, POOR GROWTH, AND DYSMORPHIC FACIES. Identifiers: Orphanet 363528, MedGen C4750838, MONDO:0014119, OMIM 615286.
Inborn genetic diseases. Identifiers: MedGen C0950123, MeSH D030342.

Allele frequency attached by ClinVar (database versions not stated): TOPMed 0.00001; gnomAD exomes below 0.00001 and 0.00001.
gnomAD v4.1: 1 of 1,574,120 alleles (0.000064%); highest among the groups gnomAD compares: South Asian, 0.0011%; no homozygotes.

Submissions (3):

GeneDx
Classification: Uncertain significance. Last evaluated: 2024-11-18. Review status: criteria provided, single submitter. Criteria: GeneDx Variant Classification Process June 2021. Collection method: clinical testing. Allele origin: germline. Affected: yes.
Comment: Not observed at significant frequency in large population cohorts (gnomAD); Has not been previously published as pathogenic or benign to our knowledge; In silico analysis supports that this missense variant has a deleterious effect on protein structure/function

Victorian Clinical Genetics Services, Murdoch Childrens Research Institute
Classification: Uncertain significance for Intellectual disability-strabismus syndrome. Last evaluated: 2024-09-20. Review status: criteria provided, single submitter. Criteria: ACMG Guidelines, 2015. Collection method: clinical testing. Allele origin: germline. Inheritance: Autosomal recessive inheritance. Affected: yes.
Comment: Based on the classification scheme VCGS_Germline_v1.3.4, this variant is classified as VUS-3C. Following criteria are met: 0102 - Loss of function is a likely mechanism of disease in this gene and is associated with neurodevelopmental disorder with brain abnormalities, poor growth, and dysmorphic facies, (MIM#615286). (I) 0106 - This gene is associated with autosomal recessive disease. (I) 0200 - Variant is predicted to result in a missense amino acid change from arginine to cysteine. (I) 0252 - This variant is homozygous. (I) 0304 - Variant is present in gnomAD (v2) <0.01 for a recessive condition (1 heterozygote, 0 homozygotes). (SP) 0309 - Multiple alternative amino acid changes at the same position have been observed in gnomAD (v2, v3) (highest allele count: 1 heterozygote, 0 homozygotes). (I) 0502 - Missense variant with conflicting in silico predictions and uninformative conservation. (I) 0600 - Variant is located in the annotated TadA domain (NCBI conserved domains). (I) 0705 - No comparable missense variants have previous evidence for pathogenicity. (I) 0807 - This variant has no previous evidence of pathogenicity. (I) 0905 - No published segregation evidence has been identified for this variant. (I) 1007 - No published functional evidence has been identified for this variant. (I) 1208 - Inheritance information for this variant is not currently available in this individual. (I) Legend: (SP) - Supporting pathogenic, (I) - Information, (SB) - Supporting benign

Ambry Genetics
Classification: Uncertain significance for Inborn genetic diseases. Last evaluated: 2024-08-27. Review status: criteria provided, single submitter. Criteria: Ambry Variant Classification Scheme 2023. Collection method: clinical testing. Allele origin: germline.